The following is an entry in ClinVar:

ClinVar aggregate classification (germline): Pathogenic (1 of 4 stars; one submission).

Conditions:
Joubert syndrome. Also called: CEREBELLOPARENCHYMAL DISORDER IV; JOUBERT-BOLTSHAUSER SYNDROME; Familial aplasia of the vermis. Identifiers: Orphanet 475, MedGen C5979921, MONDO:0018772.

Submission:

Labcorp Genetics (formerly Invitae), Labcorp
Classification: Pathogenic for Joubert syndrome. Last evaluated: 2022-03-26. Review status: criteria provided, single submitter. Criteria: Invitae Variant Classification Sherloc (09022015). Collection method: clinical testing. Allele origin: germline.
Comment: This variant has not been reported in the literature in individuals affected with AHI1-related conditions. For these reasons, this variant has been classified as Pathogenic. Algorithms developed to predict the effect of sequence changes on RNA splicing suggest that this variant may create or strengthen a splice site. This variant is not present in population databases (gnomAD no frequency). This sequence change creates a premature translational stop signal (p.Ser357Glnfs*4) in the AHI1 gene. It is expected to result in an absent or disrupted protein product. Loss-of-function variants in AHI1 are known to be pathogenic (PMID: 15322546, 16453322, 28442542, 29186038).

Literature cited by the submitters: PubMed 15322546; PubMed 16453322; PubMed 28442542; PubMed 29186038.

NM_001134831.2(AHI1):c.1069del (p.Ser357fs)

Gene: AHI1 (Abelson helper integration site 1; minus strand). Cytogenetic location: 6q23.3.
Variant type: Deletion.
Coding change: c.1069del on transcript NM_001134831.2 (MANE Select); coding-DNA position 1069, one base deleted (T; older notation c.1069delT).
Protein change: p.Ser357fs; shifts the reading frame from serine 357.
Molecular consequence: frameshift variant.
Genome position (GRCh38, 1-based): chr6:135,457,576, A deleted on the plus strand (T on the coding strand, the reverse complement: AHI1 is on the minus strand). VCF-style (leftmost placement, unchanged base first): chr6-135457575-GA-G. GRCh37 (hg19) VCF-style: chr6-135778713-GA-G.
Other names: c.1069del, p.Ser357fs (NM_001134830.2, NM_001134832.2, NM_001350503.2 and 2 more transcripts); short protein forms S357fs.
Identifiers: ClinVar variation 2117157 (VCV002117157.4), dbSNP rs2484905749, ClinGen allele CA2580075063.